The following is an entry in ClinVar:

ClinVar aggregate classification (germline): Pathogenic/Likely pathogenic. Review status: criteria provided, multiple submitters, no conflicts (2 of 4 stars). 3 submissions from 3 submitters: Pathogenic (2); Likely pathogenic (1). Last evaluated 2026-04-20.

Conditions:
Cardiovascular phenotype. Identifiers: MedGen CN230736.
Long QT syndrome (LQTS). Identifiers: MedGen C0023976, MeSH D008133, MONDO:0002442. Disease mechanism: loss of function. Inheritance: Various modes of inheritance.

Submissions (3):

GeneDx
Classification: Likely pathogenic. Last evaluated: 2026-04-20. Review status: criteria provided, single submitter. Criteria: GeneDx Variant Classification Process June 2021. Collection method: clinical testing. Allele origin: germline.
Comment: Nonsense variant predicted to result in protein truncation or nonsense mediated decay in a gene for which loss of function is a known mechanism of disease; Not observed at significant frequency in large population cohorts (gnomAD); Has not been previously published as pathogenic or benign to our knowledge

Labcorp Genetics (formerly Invitae), Labcorp
Classification: Pathogenic for Long QT syndrome. Last evaluated: 2025-11-09. Review status: criteria provided, single submitter. Criteria: Invitae Variant Classification Sherloc (09022015). Collection method: clinical testing. Allele origin: germline.
Comment: This sequence change creates a premature translational stop signal (p.Arg3113*) in the ANK2 gene. It is expected to result in an absent or disrupted protein product. Loss-of-function variants in ANK2 are known to be pathogenic (PMID: 37195288). This variant is not present in population databases (gnomAD no frequency). This variant has not been reported in the literature in individuals affected with ANK2-related conditions. ClinVar contains an entry for this variant (Variation ID: 4097146). For these reasons, this variant has been classified as Pathogenic.

Ambry Genetics
Classification: Pathogenic for Cardiovascular phenotype. Last evaluated: 2025-08-27. Review status: criteria provided, single submitter. Criteria: Ambry Variant Classification Scheme 2023. Collection method: clinical testing. Allele origin: germline.
Comment: The c.9337C>T (p.R3113*) alteration, located in exon 38 (coding exon 38) of the ANK2 gene, consists of a C to T substitution at nucleotide position 9337. This changes the amino acid from an arginine (R) to a stop codon at amino acid position 3113. This alteration is expected to result in loss of function by premature protein truncation or nonsense-mediated mRNA decay. This variant was not reported in population-based cohorts in the Genome Aggregation Database (gnomAD). Based on the available evidence, this alteration is classified as pathogenic.

Literature cited by the submitters: PubMed 37195288 (cited by Labcorp Genetics (formerly Invitae), Labcorp).

NM_001148.6(ANK2):c.9337C>T (p.Arg3113Ter)

Gene: ANK2 (ankyrin 2; plus strand). Cytogenetic location: 4q26.
Variant type: single nucleotide variant.
Coding change: c.9337C>T on transcript NM_001148.6 (MANE Select); coding-DNA position 9337, C replaced by T.
Protein change: p.Arg3113Ter; replaces arginine 3113 with a stop codon.
Molecular consequence: nonsense. On other transcripts: intron variant (68).
Genome position (GRCh38, 1-based): chr4:113,357,955, C>T. VCF-style: chr4-113357955-C-T. GRCh37 (hg19) VCF-style: chr4-114279111-C-T.
Other names: c.9103C>T, p.Arg3035Ter (NM_001386142.1); c.5737C>T, p.Arg1913Ter (NM_001386166.1); c.9478C>T, p.Arg3160Ter (NM_001386174.1); c.9454C>T, p.Arg3152Ter (NM_001386175.1); c.4412-2868C>T (NM_001386186.2, NM_001386148.2); c.4214-2868C>T (NM_001354269.3); c.4292-2868C>T (NM_001386187.2); c.4253-2868C>T (NM_001386147.1); and 35 more; short protein forms R3113*, R3152*, R1913*, R3035*, R3160*.
Identifiers: ClinVar variation 4097146 (VCV004097146.3).
Genomic context (GRCh38, chr4:113,357,955, plus strand): 5'-ACCCCAACAAGTGAGCAAAACCCATTTCTGTTTCAGGAAGGAAAATTGTTTGAAATGACC[C>T]GAAGTGGTGCCATTGATATGACCAAAAGGTCCTATGCAGATGAAAGTTTTCACTTTTTCC-3'